The following is an entry in ClinVar:

NM_001042492.3(NF1):c.2230G>C (p.Val744Leu)

Gene: NF1 (neurofibromin 1; plus strand). Cytogenetic location: 17q11.2.
Variant type: single nucleotide variant.
Coding change: c.2230G>C on transcript NM_001042492.3 (MANE Select); coding-DNA position 2230, G replaced by C.
Protein change: p.Val744Leu; replaces valine 744 with leucine.
Molecular consequence: missense variant.
Genome position (GRCh38, 1-based): chr17:31,226,663, G>C. VCF-style: chr17-31226663-G-C. GRCh37 (hg19) VCF-style: chr17-29553681-G-C.
Other names: c.2230G>C, p.Val744Leu (NM_000267.4); short protein forms V744L.
Identifiers: ClinVar variation 843426 (VCV000843426.7), dbSNP rs786201833, ClinGen allele CA398982546.
Genomic context (GRCh38, chr17:31,226,663, plus strand): 5'-GATGAAGTGTCAGTGCATAACCTCTTGCCCAACTATAACACATTCATGGAGTTTGCCTCT[G>C]TCAGCAATATGATGTCAACAGGTAAATGTGAATAGTGGTTTTTTTTACTCAGTCTGCCTC-3'
Protein context (NP_001035957.1, residues 734-754): NYNTFMEFAS[Val744Leu]SNMMSTGRAA

ClinVar aggregate classification (germline): Uncertain significance. Review status: criteria provided, multiple submitters, no conflicts (2 of 4 stars). 2 submissions from 2 submitters: Uncertain significance (2). Last evaluated 2025-12-02.

Conditions:
Hereditary cancer-predisposing syndrome. Also called: Neoplastic Syndromes, Hereditary; Hereditary neoplastic syndrome; Tumor predisposition; Hereditary Cancer Syndrome. Identifiers: Orphanet 140162, MedGen C0027672, MeSH D009386, MONDO:0015356.
Cardiovascular phenotype. Identifiers: MedGen CN230736.
Neurofibromatosis, type 1 (NF1). Also called: Peripheral type neurofibromatosis; VON RECKLINGHAUSEN DISEASE; Neurofibromatosis, type I; NEUROFIBROMATOSIS, TYPE I, SOMATIC. Identifiers: Orphanet 636, MedGen C0027831, MONDO:0018975, OMIM 162200. Disease mechanism: loss of function.

Submissions (2):

Labcorp Genetics (formerly Invitae), Labcorp
Classification: Uncertain significance for Neurofibromatosis, type 1. Last evaluated: 2025-12-02. Review status: criteria provided, single submitter. Criteria: Invitae Variant Classification Sherloc (09022015). Collection method: clinical testing. Allele origin: germline.
Comment: This sequence change replaces valine, which is neutral and non-polar, with leucine, which is neutral and non-polar, at codon 744 of the NF1 protein (p.Val744Leu). This variant is not present in population databases (gnomAD no frequency). This variant has not been reported in the literature in individuals affected with NF1-related conditions. ClinVar contains an entry for this variant (Variation ID: 843426). Invitae Evidence Modeling of protein sequence and biophysical properties (such as structural, functional, and spatial information, amino acid conservation, physicochemical variation, residue mobility, and thermodynamic stability) indicates that this missense variant is not expected to disrupt NF1 protein function with a negative predictive value of 95%. In summary, the available evidence is currently insufficient to determine the role of this variant in disease. Therefore, it has been classified as a Variant of Uncertain Significance.

Ambry Genetics
Classification: Uncertain significance for Cardiovascular phenotype; Hereditary cancer-predisposing syndrome. Last evaluated: 2025-04-07. Review status: criteria provided, single submitter. Criteria: Ambry Variant Classification Scheme 2023. Collection method: clinical testing. Allele origin: germline.
Comment: The p.V744L variant (also known as c.2230G>C), located in coding exon 18 of the NF1 gene, results from a G to C substitution at nucleotide position 2230. The valine at codon 744 is replaced by leucine, an amino acid with highly similar properties. This amino acid position is conserved. In addition, this alteration is predicted to be tolerated by in silico analysis. Based on the available evidence, the clinical significance of this variant remains unclear.